The following is an entry in ClinVar:

NM_001018005.2(TPM1):c.106A>G (p.Ser36Gly)

Gene: TPM1 (tropomyosin 1; plus strand). Cytogenetic location: 15q22.2.
Variant type: single nucleotide variant.
Coding change: c.106A>G on transcript NM_001018005.2 (MANE Select); coding-DNA position 106, A replaced by G.
Protein change: p.Ser36Gly; replaces serine 36 with glycine.
Molecular consequence: missense variant.
Genome position (GRCh38, 1-based): chr15:63,042,935, A>G. VCF-style: chr15-63042935-A-G. GRCh37 (hg19) VCF-style: chr15-63335134-A-G.
Other names: c.106A>G, p.Ser36Gly (NM_000366.6, NM_001018004.2, NM_001018006.2 and 7 more transcripts); short protein forms S36G.
Identifiers: ClinVar variation 626548 (VCV000626548.12), dbSNP rs1566936237, ClinGen allele CA392718157.

ClinVar aggregate classification (germline): Uncertain significance. Review status: criteria provided, multiple submitters, no conflicts (2 of 4 stars). 5 submissions from 5 submitters: Uncertain significance (5). Last evaluated 2025-12-09.

Conditions:
Cardiovascular phenotype. Identifiers: MedGen CN230736.
Cardiomyopathy (CMYO). Also called: Cardiomyopathies. Identifiers: Orphanet 167848, MedGen C0878544, MONDO:0004994, HP:0001638. Inheritance: Various modes of inheritance.
Hypertrophic cardiomyopathy. Also called: HYPERTROPHIC MYOCARDIOPATHY. Identifiers: Orphanet 217569, MedGen C0007194, MeSH D002312, MONDO:0005045, HP:0001639.
Hypertrophic cardiomyopathy 3. Also called: TPM1-Related Familial Hypertrophic Cardiomyopathy. Identifiers: MedGen C1861863, MONDO:0007267, OMIM 115196.

Allele frequency attached by ClinVar (database versions not stated): gnomAD 0.00001; gnomAD exomes 0.00001; TOPMed 0.00001.
gnomAD v4.1: 14 of 1,600,064 alleles (0.00087%); highest among the groups gnomAD compares: Non-Finnish European, 0.0012%; no homozygotes.

Submissions (5):

Labcorp Genetics (formerly Invitae), Labcorp
Classification: Uncertain significance for Hypertrophic cardiomyopathy. Last evaluated: 2025-12-09. Review status: criteria provided, single submitter. Criteria: Invitae Variant Classification Sherloc (09022015). Collection method: clinical testing. Allele origin: germline.
Comment: This sequence change replaces serine, which is neutral and polar, with glycine, which is neutral and non-polar, at codon 36 of the TPM1 protein (p.Ser36Gly). This variant is not present in population databases (gnomAD no frequency). This variant has not been reported in the literature in individuals affected with TPM1-related conditions. ClinVar contains an entry for this variant (Variation ID: 626548). An algorithm developed to predict the effect of missense changes on protein structure and function (PolyPhen-2) suggests that this variant is likely to be tolerated. In summary, the available evidence is currently insufficient to determine the role of this variant in disease. Therefore, it has been classified as a Variant of Uncertain Significance.

Color Diagnostics, LLC DBA Color Health
Classification: Uncertain significance for Cardiomyopathy. Last evaluated: 2024-07-17. Review status: criteria provided, single submitter. Criteria: ACMG Guidelines, 2015. Collection method: clinical testing. Allele origin: germline.
Comment: This missense variant replaces serine with glycine at codon 36 of the TPM1 protein. Computational prediction is inconclusive regarding the impact of this variant on protein structure and function. To our knowledge, functional studies have not been reported for this variant. This variant has not been reported in individuals affected with TPM1-related disorders in the literature. This variant has not been identified in the general population by the Genome Aggregation Database (gnomAD). The available evidence is insufficient to determine the role of this variant in disease conclusively. Therefore, this variant is classified as a Variant of Uncertain Significance.

Ambry Genetics
Classification: Uncertain significance for Cardiovascular phenotype. Last evaluated: 2022-03-03. Review status: criteria provided, single submitter. Criteria: Ambry Variant Classification Scheme 2023. Collection method: clinical testing. Allele origin: germline.
Comment: The p.S36G variant (also known as c.106A>G), located in coding exon 1 of the TPM1 gene, results from an A to G substitution at nucleotide position 106. The serine at codon 36 is replaced by glycine, an amino acid with similar properties. This amino acid position is conserved. In addition, the in silico prediction for this alteration is inconclusive. Since supporting evidence is limited at this time, the clinical significance of this alteration remains unclear.

CHEO Genetics Diagnostic Laboratory, Children's Hospital of Eastern Ontario
Classification: Uncertain significance for Cardiomyopathy. Last evaluated: 2019-05-24. Review status: criteria provided, single submitter. Criteria: ACMG Guidelines, 2015. Collection method: clinical testing. Allele origin: germline. Study: Canadian Open Genetics Repository.

Human Genome Sequencing Center Clinical Lab, Baylor College of Medicine
Classification: Uncertain significance for Familial hypertrophic cardiomyopathy 3. Review status: criteria provided, single submitter. Criteria: ACMG Guidelines, 2015. Collection method: clinical testing. Allele origin: germline.